The following is an entry in ClinVar:

ClinVar aggregate classification (germline): Uncertain significance (1 of 4 stars; one submission).

Allele frequency attached by ClinVar (database versions not stated): gnomAD 0.00001.
gnomAD v4.1: 11 of 1,609,616 alleles (0.00068%); highest among the groups gnomAD compares: African/African-American, 0.0013%; no homozygotes.

Submission:

Labcorp Genetics (formerly Invitae), Labcorp
Classification: Uncertain significance. Last evaluated: 2022-09-06. Review status: criteria provided, single submitter. Criteria: Invitae Variant Classification Sherloc (09022015). Collection method: clinical testing. Allele origin: germline.
Comment: In summary, the available evidence is currently insufficient to determine the role of this variant in disease. Therefore, it has been classified as a Variant of Uncertain Significance. Algorithms developed to predict the effect of missense changes on protein structure and function are either unavailable or do not agree on the potential impact of this missense change (SIFT: "Deleterious"; PolyPhen-2: "Benign"; Align-GVGD: "Class C25"). This variant has not been reported in the literature in individuals affected with MYH3-related conditions. This variant is not present in population databases (gnomAD no frequency). This sequence change replaces valine, which is neutral and non-polar, with leucine, which is neutral and non-polar, at codon 71 of the MYH3 protein (p.Val71Leu).

NM_002470.4(MYH3):c.211G>C (p.Val71Leu)

Gene: MYH3 (myosin heavy chain 3; minus strand). Cytogenetic location: 17p13.1.
Variant type: single nucleotide variant.
Coding change: c.211G>C on transcript NM_002470.4 (MANE Select); coding-DNA position 211, G replaced by C.
Protein change: p.Val71Leu; replaces valine 71 with leucine.
Molecular consequence: missense variant.
Genome position (GRCh38, 1-based): chr17:10,652,557, C>G on the plus strand (G>C on the coding strand, the complement: MYH3 is on the minus strand). VCF-style: chr17-10652557-C-G. GRCh37 (hg19) VCF-style: chr17-10555874-C-G.
Other names: short protein forms V71L.
Identifiers: ClinVar variation 2083757 (VCV002083757.4), dbSNP rs757927582, ClinGen allele CA398117488.